The following is an entry in ClinVar:

ClinVar aggregate classification (germline): Uncertain significance (1 of 4 stars; one submission).

gnomAD v4.1: 22 of 1,611,694 alleles (0.0014%); highest among the groups gnomAD compares: South Asian, 0.0022%; no homozygotes.

Submission:

Labcorp Genetics (formerly Invitae), Labcorp
Classification: Uncertain significance. Last evaluated: 2025-04-14. Review status: criteria provided, single submitter. Criteria: Invitae Variant Classification Sherloc (09022015). Collection method: clinical testing. Allele origin: germline.
Comment: This sequence change replaces proline, which is neutral and non-polar, with leucine, which is neutral and non-polar, at codon 580 of the HNF1A protein (p.Pro580Leu). This variant is present in population databases (no rsID available, gnomAD 0.003%). This missense change has been observed in individual(s) with clinical features of HNF1A-related conditions (PMID: 27913849, 37798422). Invitae Evidence Modeling of protein sequence and biophysical properties (such as structural, functional, and spatial information, amino acid conservation, physicochemical variation, residue mobility, and thermodynamic stability) indicates that this missense variant is not expected to disrupt HNF1A protein function with a negative predictive value of 95%. Experimental studies are conflicting or provide insufficient evidence to determine the effect of this variant on HNF1A function (PMID: 37798422). In summary, the available evidence is currently insufficient to determine the role of this variant in disease. Therefore, it has been classified as a Variant of Uncertain Significance.

Literature cited by the submitters: PubMed 27913849; PubMed 37798422.

NM_000545.8(HNF1A):c.1739C>T (p.Pro580Leu)

Gene: HNF1A (HNF1 homeobox A; plus strand). Cytogenetic location: 12q24.31.
Variant type: single nucleotide variant.
Coding change: c.1739C>T on transcript NM_000545.8 (MANE Select); coding-DNA position 1739, C replaced by T.
Protein change: p.Pro580Leu; replaces proline 580 with leucine.
Molecular consequence: missense variant.
Genome position (GRCh38, 1-based): chr12:120,999,598, C>T. VCF-style: chr12-120999598-C-T. GRCh37 (hg19) VCF-style: chr12-121437401-C-T.
Other names: c.1760C>T, p.Pro587Leu (NM_001306179.2); c.1547C>T, p.Pro516Leu (NM_001406915.1); short protein forms P580L, P587L, P516L.
Identifiers: ClinVar variation 4744915 (VCV004744915.1).
Genomic context (GRCh38, chr12:120,999,598, plus strand): 5'-CTCAGGCCACCACCCTCCACGTCCCCAGCCAGGACCCTGCCAGCATCCAGCACCTGCAGC[C>T]GGCCCACCGGCTCAGCGCCAGCCCCACAGGTGAGAGGCCCTGGCTCCACCCCCTCCCTTA-3'
Protein context (NP_000536.6, residues 570-590): QDPASIQHLQ[Pro580Leu]AHRLSASPTV